The following is an entry in ClinVar:

NM_000059.4(BRCA2):c.6490del (p.Gln2164fs)

Gene: BRCA2 (BRCA2 DNA repair associated; plus strand). Cytogenetic location: 13q13.1.
Variant type: Deletion.
Coding change: c.6490del on transcript NM_000059.4 (MANE Select); coding-DNA position 6490, one base deleted (C; older notation c.6490delC).
Protein change: p.Gln2164fs; shifts the reading frame from glutamine 2164.
Molecular consequence: frameshift variant.
Genome position (GRCh38, 1-based): chr13:32,340,845, C deleted. VCF-style (leftmost placement, unchanged base first): chr13-32340844-AC-A. GRCh37 (hg19) VCF-style: chr13-32914981-AC-A.
Other names: 6718delC; c.6490delC (NM_000059.3).
Identifiers: ClinVar variation 52115 (VCV000052115.21), dbSNP rs80359599, ClinGen allele CA024109.

ClinVar aggregate classification (germline): Pathogenic. Review status: reviewed by expert panel (3 of 4 stars). 9 submissions from 9 submitters: Pathogenic (1). 8 of the submissions do not count toward it. Last evaluated 2016-09-08.

Conditions:
Hereditary breast ovarian cancer syndrome. Also called: Hereditary breast and ovarian cancer syndrome; Hereditary breast and ovarian cancer; Hereditary breast and ovarian cancer syndrome (HBOC); Breast and ovarian cancer; Hereditary breast and/or ovarian cancer syndrome; BRCA1- and BRCA2-Associated Hereditary Breast and Ovarian Cancer. Identifiers: Orphanet 145, MedGen C0677776, MeSH D061325, MONDO:0003582. Disease mechanism: loss of function.
BRCA2-related cancer predisposition. Identifiers: MedGen CN377758, MONDO:0700269.
Hereditary cancer-predisposing syndrome. Also called: Neoplastic Syndromes, Hereditary; Tumor predisposition; Hereditary neoplastic syndrome; Hereditary Cancer Syndrome. Identifiers: Orphanet 140162, MedGen C0027672, MeSH D009386, MONDO:0015356.
Breast-ovarian cancer, familial, susceptibility to, 2 (BROVCA2). Also called: BRCA2 Hereditary Breast and Ovarian Cancer. Identifiers: Orphanet 145, MedGen C2675520, MONDO:0012933, OMIM 612555. Disease mechanism: loss of function.

Submissions (9):

Evidence-based Network for the Interpretation of Germline Mutant Alleles (ENIGMA)
Classification: Pathogenic for Breast-ovarian cancer, familial, susceptibility to, 2. Last evaluated: 2016-09-08. Review status: reviewed by expert panel. Criteria: ENIGMA BRCA1/2 Classification Criteria (2015). Collection method: curation. Allele origin: germline.
Comment: Variant allele predicted to encode a truncated non-functional protein.

Molecular Pathology, Peter Maccallum Cancer Centre
Classification: Pathogenic for Breast-ovarian cancer, familial, susceptibility to, 2. Last evaluated: 2024-12-05. Review status: criteria provided, single submitter. Criteria: ACMG Guidelines, 2015. Collection method: clinical testing. Allele origin: germline. Inheritance: Autosomal dominant inheritance. Not counted in ClinVar's aggregate classification.

All of Us Research Program, National Institutes of Health
Classification: Pathogenic for BRCA2-related cancer predisposition. Last evaluated: 2024-05-10. Review status: criteria provided, single submitter. Criteria: ACMG Guidelines, 2015. Collection method: clinical testing. Allele origin: germline. Inheritance: Autosomal dominant inheritance. Observed: 1 variant allele, 1 heterozygote. Not counted in ClinVar's aggregate classification.
Comment: The c.6490del variant in the BRCA2 gene is located on exon 11 and is predicted to shift the reading frame such that it introduces a premature translation termination codon (p.Gln2164Serfs*4), resulting in an absent or disrupted protein product. Other variants resulting in frameshift at the same position c.6490_6492delinsGACT (p.Gln2164fs); c.6491_6494del (p.Gln2164fs); c.6491del (p.Gln2164fs); have been reported in individuals with breast and/or ovarian cancer and interpreted as pathogenic by the expert panel (PMID: 22366370, PMID: 28477318, ClinVar ID: 52114, 52116). Stop-gain variants located in the same exon (p.Gln2160*, p.Leu2167*) have been reviewed as pathogenic (ClinVar ID: 266950, 266952). Loss-of-function variants in the BRCA2 gene are known to be pathogenic (PMID: 8988179, 11897832, 29446198). The variant is reported in ClinVar (ID: 52115) and interpreted as pathogenic by the expert panel. The variant is not observed in the general population according to gnomAD. Therefore, the c.6490del (p.Gln2164Serfs*4) variant in the BRCA2 gene has been classified as pathogenic.

This study involves interpretation of variants in research participants for the purpose of population health screening. Participant phenotype was not available at the time of variant classification. Additional details can be found in publication PMID: 35346344, PMCID: PMC8962531

Labcorp Genetics (formerly Invitae), Labcorp
Classification: Pathogenic for Hereditary breast ovarian cancer syndrome. Last evaluated: 2023-05-14. Review status: criteria provided, single submitter. Criteria: Invitae Variant Classification Sherloc (09022015). Collection method: clinical testing. Allele origin: germline. Not counted in ClinVar's aggregate classification.
Comment: This sequence change creates a premature translational stop signal (p.Gln2164Serfs*4) in the BRCA2 gene. It is expected to result in an absent or disrupted protein product. Loss-of-function variants in BRCA2 are known to be pathogenic (PMID: 20104584). This variant is not present in population databases (gnomAD no frequency). This premature translational stop signal has been observed in individual(s) with a personal or family history of breast and/or ovarian cancer (PMID: 29310832). ClinVar contains an entry for this variant (Variation ID: 52115). For these reasons, this variant has been classified as Pathogenic.

Ambry Genetics
Classification: Pathogenic for Hereditary cancer-predisposing syndrome. Last evaluated: 2023-01-06. Review status: criteria provided, single submitter. Criteria: Ambry Variant Classification Scheme 2023. Collection method: clinical testing. Allele origin: germline. Not counted in ClinVar's aggregate classification.
Comment: The c.6490delC pathogenic mutation, located in coding exon 10 of the BRCA2 gene, results from a deletion of one nucleotide at nucleotide position 6490, causing a translational frameshift with a predicted alternate stop codon (p.Q2164Sfs*4). This variant was reported in multiple breast cancer cases and in a large, worldwide study of BRCA1/2 mutation positive families (Rebbeck TR et al. Hum Mutat, 2018 May;39:593-620; Apessos A et al. Cancer Genet 2018 Jan;220:1-12 Dorling et al. N Engl J Med. 2021 02;384:428-439). In addition to the clinical data presented in the literature, this alteration is expected to result in loss of function by premature protein truncation or nonsense-mediated mRNA decay. As such, this alteration is interpreted as a disease-causing mutation.

Women's Health and Genetics/Laboratory Corporation of America, LabCorp
Classification: Pathogenic for Hereditary breast and ovarian cancer syndrome. Last evaluated: 2019-12-13. Review status: criteria provided, single submitter. Criteria: LabCorp Variant Classification Summary - May 2015. Collection method: clinical testing. Allele origin: germline. Not counted in ClinVar's aggregate classification.
Comment: Variant summary: BRCA2 c.6490delC (p.Gln2164SerfsX4) results in a premature termination codon, predicted to cause a truncation of the encoded protein or absence of the protein due to nonsense mediated decay, which are commonly known mechanisms for disease. Truncations downstream of this position have been classified as pathogenic by our laboratory. The variant was absent in 234562 control chromosomes (gnomAD). c.6490delC has been reported in the literature in two individuals (Apessos_2018, Rebbeck_2018). These data indicate that the variant may be associated with disease. To our knowledge, no experimental evidence demonstrating an impact on protein function has been reported. Two ClinVar submitters including one expert panel (ENIGMA) (evaluation after 2014) cite the variant as pathogenic. Based on the evidence outlined above, the variant was classified as pathogenic.

Color Diagnostics, LLC DBA Color Health
Classification: Pathogenic for Hereditary cancer-predisposing syndrome. Last evaluated: 2019-07-29. Review status: criteria provided, single submitter. Criteria: ACMG Guidelines, 2015. Collection method: clinical testing. Allele origin: germline. Not counted in ClinVar's aggregate classification.
Comment: This variant deletes 1 nucleotide in exon 11 of the BRCA2 gene, creating a frameshift and premature translation stop signal. This variant is expected to result in an absent or non-functional protein product. Computational splicing tools suggest that this variant may not impact RNA splicing. To our knowledge, functional assays have not been performed for this variant nor has this variant been reported in individuals affected with hereditary cancer in the literature. This variant has not been identified in the general population by the Genome Aggregation Database (gnomAD). Loss of BRCA2 function is a known mechanism of disease. Based on available evidence, this variant is classified as Pathogenic.

Consortium of Investigators of Modifiers of BRCA1/2 (CIMBA), c/o University of Cambridge
Classification: Pathogenic for Breast-ovarian cancer, familial, susceptibility to, 2. Last evaluated: 2015-10-02. Review status: criteria provided, single submitter. Criteria: CIMBA Mutation Classification guidelines May 2016. Collection method: clinical testing. Allele origin: germline. Not counted in ClinVar's aggregate classification.

Breast Cancer Information Core (BIC) (BRCA2)
Classification: Pathogenic for Breast-ovarian cancer, familial 2. Last evaluated: 2003-12-23. Review status: no assertion criteria provided. Collection method: clinical testing. Allele origin: germline. Affected: yes. Observed: 1 variant allele. Not counted in ClinVar's aggregate classification.

Literature cited by the submitters: PubMed 8988179 (cited by All of Us Research Program, National Institutes of Health); PubMed 11897832 (cited by All of Us Research Program, National Institutes of Health); PubMed 22366370 (cited by All of Us Research Program, National Institutes of Health); PubMed 28477318 (cited by All of Us Research Program, National Institutes of Health); PubMed 29446198 (cited by 3 submitters); PubMed 20104584 (cited by Labcorp Genetics (formerly Invitae), Labcorp); PubMed 29310832 (cited by 3 submitters); PubMed 33471991 (cited by Ambry Genetics).